The following is an entry in ClinVar:

NM_001291303.3(FAT4):c.11423G>A (p.Cys3808Tyr)

Gene: FAT4 (FAT atypical cadherin 4; plus strand). Cytogenetic location: 4q28.1.
Variant type: single nucleotide variant.
Coding change: c.11423G>A on transcript NM_001291303.3 (MANE Select); coding-DNA position 11423, G replaced by A.
Protein change: p.Cys3808Tyr; replaces cysteine 3808 with tyrosine.
Molecular consequence: missense variant.
Genome position (GRCh38, 1-based): chr4:125,452,433, G>A. VCF-style: chr4-125452433-G-A. GRCh37 (hg19) VCF-style: chr4-126373588-G-A.
Other names: c.6194G>A, p.Cys2065Tyr (NM_001437895.1); c.11423G>A, p.Cys3808Tyr (NM_001438396.1, NM_001438397.1, NM_001291285.3); c.11417G>A, p.Cys3806Tyr (NM_024582.6); short protein forms C2065Y, C3806Y, C3808Y.
Identifiers: ClinVar variation 4082651 (VCV004082651.1).

ClinVar aggregate classification (germline): Uncertain significance (1 of 4 stars; one submission).

Submission:

GeneDx
Classification: Uncertain significance. Last evaluated: 2025-02-25. Review status: criteria provided, single submitter. Criteria: GeneDx Variant Classification Process June 2021. Collection method: clinical testing. Allele origin: germline. Affected: yes.
Comment: Not observed at significant frequency in large population cohorts (gnomAD); In silico analysis supports that this missense variant has a deleterious effect on protein structure/function; Has not been previously published as pathogenic or benign to our knowledge